The following is an entry in ClinVar:

NM_007294.4(BRCA1):c.5503C>T (p.Arg1835Ter)

Gene: BRCA1 (BRCA1 DNA repair associated; minus strand). Cytogenetic location: 17q21.31.
Variant type: single nucleotide variant.
Coding change: c.5503C>T on transcript NM_007294.4 (MANE Select); coding-DNA position 5503, C replaced by T.
Protein change: p.Arg1835Ter; replaces arginine 1835 with a stop codon.
Molecular consequence: nonsense. On other transcripts: 3 prime UTR variant (1), non-coding transcript variant (1).
Genome position (GRCh38, 1-based): chr17:43,045,767, G>A on the plus strand (C>T on the coding strand, the complement: BRCA1 is on the minus strand). VCF-style: chr17-43045767-G-A. GRCh37 (hg19) VCF-style: chr17-41197784-G-A.
Other names: p.R1835*:CGA>TGA; 5622C>T; c.5293C>T, p.Arg1765Ter (NM_001407879.1, NM_001407881.1, NM_001407882.1 and 5 more transcripts); c.5290C>T, p.Arg1764Ter (NM_001407894.1, NM_001407895.1, NM_001407896.1 and 12 more transcripts); c.5287C>T, p.Arg1763Ter (NM_001407915.1, NM_001407916.1, NM_001407917.1 and 1 more transcripts); c.5251C>T, p.Arg1751Ter (NM_001407919.1); c.5239C>T, p.Arg1747Ter (NM_001407920.1, NM_001407921.1, NM_001407922.1 and 4 more transcripts); c.5233C>T, p.Arg1745Ter (NM_001407934.1, NM_001407935.1, NM_001407936.1); and 76 more; short protein forms R1835*, R1856*, R1788*, R731*, R1539*, R1681*, R1706*, R1708*.
Identifiers: ClinVar variation 55601 (VCV000055601.121), dbSNP rs41293465, ClinGen allele CA003674.

ClinVar aggregate classification (germline): Pathogenic. Review status: reviewed by expert panel (3 of 4 stars). 59 submissions from 58 submitters: Pathogenic (1). 58 of the submissions do not count toward it. Last evaluated 2016-04-22.

Conditions:
Fanconi anemia, complementation group S (FANCS). Identifiers: MedGen C4554406, MONDO:0054748, OMIM 617883.
Breast-ovarian cancer, familial, susceptibility to, 1 (BROVCA1). Also called: OVARIAN CANCER, SUSCEPTIBILITY TO; BRCA1 Hereditary Breast and Ovarian Cancer. Identifiers: Orphanet 145, MedGen C2676676, MONDO:0011450, OMIM 604370. Disease mechanism: loss of function.
Familial cancer of breast. Also called: Hereditary breast cancer; BREAST CANCER, FAMILIAL; hereditary breast carcinoma. Identifiers: Orphanet 227535, MedGen C0346153, MONDO:0016419, OMIM 114480. Disease mechanism: loss of function.
Pancreatic cancer, susceptibility to, 4. Identifiers: Orphanet 1333, MedGen C3280442, MONDO:0013685, OMIM 614320.
Ovarian neoplasm. Also called: Neoplasm of ovary; Ovarian tumor; Ovarian Neoplasms. Identifiers: MedGen C0919267, MeSH D010051, MONDO:0021068, HP:0100615.
Lung cancer. Also called: Lung cancer, somatic; Malignant tumor of lung. Identifiers: MedGen C0242379, MONDO:0008903, OMIM 211980.
Inherited ovarian cancer (without breast cancer).
Inherited breast cancer and ovarian cancer.
BRCA1-related disorder. Also called: BRCA1-related condition.
Hereditary cancer-predisposing syndrome. Also called: Neoplastic Syndromes, Hereditary; Tumor predisposition; Hereditary Cancer Syndrome; Hereditary neoplastic syndrome. Identifiers: Orphanet 140162, MedGen C0027672, MeSH D009386, MONDO:0015356.
Breast neoplasm. Also called: Neoplasm of breast; Breast tumor; Breast Neoplasms; Neoplasm of the breast. Identifiers: MedGen C1458155, MeSH D001943, MONDO:0021100, HP:0100013. Disease mechanism: gain of function.
Gastric cancer. Also called: Stomach cancer; Malignant tumor of stomach. Identifiers: MedGen C0024623, MeSH D013274, MONDO:0001056, OMIM 613659, HP:0012126.
Breast and/or ovarian cancer. Identifiers: MedGen CN221562.
Hereditary breast ovarian cancer syndrome. Also called: Hereditary breast and/or ovarian cancer syndrome; Hereditary breast and ovarian cancer syndrome; Hereditary breast and ovarian cancer; Hereditary breast and ovarian cancer syndrome (HBOC); Breast and ovarian cancer; BRCA1- and BRCA2-Associated Hereditary Breast and Ovarian Cancer. Identifiers: Orphanet 145, MedGen C0677776, MeSH D061325, MONDO:0003582. Disease mechanism: loss of function.
Malignant tumor of breast. Also called: Malignant breast neoplasm; Cancer breast. Identifiers: MedGen C0006142, MONDO:0007254. Disease mechanism: loss of function.
Breast carcinoma. Also called: Carcinoma of breast. Identifiers: MedGen C0678222, MONDO:0004989, HP:0003002.

Allele frequency attached by ClinVar (database versions not stated): TOPMed below 0.00001; gnomAD exomes 0.00001.
gnomAD v4.1: 20 of 1,614,028 alleles (0.0012%); highest among the groups gnomAD compares: South Asian, 0.0033%; no homozygotes.

Submissions 1 to 9 of 60:

Evidence-based Network for the Interpretation of Germline Mutant Alleles (ENIGMA)
Classification: Pathogenic for Breast-ovarian cancer, familial, susceptibility to, 1. Last evaluated: 2016-04-22. Review status: reviewed by expert panel. Criteria: ENIGMA BRCA1/2 Classification Criteria (2015). Collection method: curation. Allele origin: germline.
Comment: Variant allele predicted to encode a truncated non-functional protein.

NHS Central & South Genomic Laboratory Hub
Classification: Pathogenic for Inherited breast cancer and ovarian cancer. Last evaluated: 2026-10-06. Review status: criteria provided, single submitter. Criteria: ACMG Guidelines, 2015. Collection method: clinical testing. Allele origin: germline. Affected: yes. Not counted in ClinVar's aggregate classification.

Genetics Laboratory, Great Ormond Street Hospital NHS Foundation Trust, North Thames Genomic Laboratory Hub
Classification: Pathogenic for Inherited ovarian cancer (without breast cancer). Last evaluated: 2026-03-06. Review status: criteria provided, single submitter. Criteria: CanVIG BRCA Gene Specific V1.22. Collection method: clinical testing. Allele origin: germline. Affected: yes. Not counted in ClinVar's aggregate classification.
Comment: PS4_strong, PM2_supporting, PVS1_very-strong, PM5_strong

Labcorp Genetics (formerly Invitae), Labcorp
Classification: Pathogenic for Hereditary breast ovarian cancer syndrome. Last evaluated: 2026-01-20. Review status: criteria provided, single submitter. Criteria: Invitae Variant Classification Sherloc (09022015). Collection method: clinical testing. Allele origin: germline. Not counted in ClinVar's aggregate classification.
Comment: This sequence change creates a premature translational stop signal (p.Arg1835*) in the BRCA1 gene. While this is not anticipated to result in nonsense mediated decay, it is expected to disrupt the last 29 amino acid(s) of the BRCA1 protein. This variant is present in population databases (rs41293465, gnomAD 0.006%). This premature translational stop signal has been observed in individual(s) with breast, ovarian, and bladder cancer (PMID: 8554067, 10486320, 11802209, 16683254, 19949876, 23704984, 27553291). This variant is also known as 5622C>T. ClinVar contains an entry for this variant (Variation ID: 55601). Algorithms developed to predict the effect of variants on gene product structure and function are not available or were not evaluated for this variant. Experimental studies have shown that this premature translational stop signal affects BRCA1 function (PMID: 11739404). RNA analysis performed to evaluate the impact of this premature translational stop signal on mRNA splicing indicates it does not significantly alter splicing (internal data). This variant disrupts a region of the BRCA1 protein in which other variant(s) (p.Tyr1853*) have been determined to be pathogenic (PMID: 12400015, 21922593; internal data). This suggests that this is a clinically significant region of the protein, and that variants that disrupt it are likely to be disease-causing. For these reasons, this variant has been classified as Pathogenic.

PreventionGenetics, part of Exact Sciences
Classification: Pathogenic for BRCA1-related condition. Last evaluated: 2026-01-07. Review status: criteria provided, single submitter. Criteria: ACMG Guidelines, 2015. Collection method: clinical testing. Allele origin: germline. Not counted in ClinVar's aggregate classification.
Comment: The BRCA1 c.5503C>T variant is predicted to result in premature protein termination (p.Arg1835*). This variant, also described as c.5622C>T in previous literature reports, has been well-documented in several families with breast-ovarian cancers (Serova et al. 1996. PubMed ID: 8554067; Cunningham et al. 2014. Table S1. PubMed ID: 24504028) and is particularly prevalent in an Asian population (Rashid et al. 2016. Table S1. PubMed ID: 27553291). Functional studies on this variant have determined that although it does not lead to nonsense mediated decay (Perrin-Vidoz et al. 2002. PubMed ID: 12393792) it markedly induces chromatin unfolding compared to the wild type BRCA1 protein (Ye et al. 2001. Figure 3B. PubMed ID: 11739404). In ClinVar, this variant is classified as pathogenic by multiple sources (Variation ID: 55601). This variant is reported in 0.0065% of alleles in individuals of South Asian descent in gnomAD. Nonsense variants in BRCA1 are expected to be pathogenic. This variant is interpreted as pathogenic.

Center for Genomic Medicine, Rigshospitalet, Copenhagen University Hospital
Classification: Pathogenic. Last evaluated: 2025-12-29. Review status: criteria provided, single submitter. Criteria: ACMG Guidelines, 2015. Collection method: clinical testing. Allele origin: germline. Not counted in ClinVar's aggregate classification.
Comment: Classification criteria: PVS1, PM5_Strong, PS3

Color Diagnostics, LLC DBA Color Health
Classification: Pathogenic for Hereditary cancer-predisposing syndrome. Last evaluated: 2025-12-08. Review status: criteria provided, single submitter. Criteria: ACMG Guidelines, 2015. Collection method: clinical testing. Allele origin: germline. Not counted in ClinVar's aggregate classification.
Comment: This variant changes 1 nucleotide in exon 23 of the BRCA1 gene, creating a premature translation stop signal. This variant is expected to result in an absent or non-functional protein product. This variant has been reported to result in the loss of BRCA1 protein function in a haploid cell proliferation assay (PMID: 30209399). This variant has been reported in more than twenty individuals affected with breast and/or ovarian cancer (PMID: 8554067, 9760198, 10505028, 11260866, 16644204, 16683254, 20104584, 20727672, 24504028, 24549055, 25682074, 26187060, 26541979, 27153395, 27553291, 28324225, 28423363, 28724667, 29339979, 29470806, 30287823, 31209999) and has been identified in over 100 families among the CIMBA participants (PMID: 29446198). Multifactorial analysis reached a combined likelihood ratio (LR) of 126,090,795,725,010 based on breast cancer case-control data and personal and family history for 15 carriers (PMID: 31853058, 40413188). This variant has been identified in 20/1614028 chromosomes in the general population by the Genome Aggregation Database (gnomAD). Loss of BRCA1 function is a known mechanism of disease. Based on the available evidence, this variant is classified as Pathogenic.

Mayo Clinic Laboratories, Mayo Clinic
Classification: Pathogenic. Last evaluated: 2025-11-12. Review status: criteria provided, single submitter. Criteria: ACMG Guidelines, 2015. Collection method: clinical testing. Allele origin: germline. Observed: 1 variant allele. Not counted in ClinVar's aggregate classification.
Comment: PM5_strong, PS3, PVS1

Cambridge Genomics Laboratory, East Genomic Laboratory Hub, NHS Genomic Medicine Service
Classification: Pathogenic for Inherited breast cancer and ovarian cancer. Last evaluated: 2025-11-11. Review status: criteria provided, single submitter. Criteria: ACGS Best Practice Guidelines for Variant Classification in Rare Disease 2020. Collection method: clinical testing. Allele origin: germline. Affected: yes. Not counted in ClinVar's aggregate classification.
Comment: PVS1,PM2_Supporting,PM5_Strong